The following is an entry in ClinVar:

GRCh37/hg19 11p15.4(chr11:6851550-6984119)x1

Genes: OR10A2 (olfactory receptor family 10 subfamily A member 2; plus strand), OR10A4 (olfactory receptor family 10 subfamily A member 4; plus strand), OR10A5 (olfactory receptor family 10 subfamily A member 5; plus strand), OR2D2 (olfactory receptor family 2 subfamily D member 2; minus strand), OR2D3 (olfactory receptor family 2 subfamily D member 3; plus strand) and 1 more. Cytogenetic location: 11p15.4.
Variant type: copy number loss.
Change: copy number 1 (one copy instead of two) of chr11:6,851,550-6,984,119 (132.6 kb, GRCh37 coordinates, 1-based), cytogenetic band 11p15.4.
Identifiers: ClinVar variation 666458 (VCV000666458.3).

ClinVar aggregate classification (germline): Uncertain significance (1 of 4 stars; one submission).

Submission:

Centro Nacional de Genética Medica, Administración Nacional de Laboratorios e Institutos de Salud (ANLIS) “Dr. Carlos G Malbrán”
Classification: Uncertain significance. Last evaluated: 2019-01-01. Review status: criteria provided, single submitter. Criteria: ACMG CNV Guidelines, 2011. Collection method: clinical testing. Allele origin: germline. Affected: yes.